The following is an entry in ClinVar:

ClinVar aggregate classification (germline): Benign. Review status: criteria provided, multiple submitters, no conflicts (2 of 4 stars). 13 submissions from 13 submitters: Benign (8). 5 of the submissions do not count toward it. Last evaluated 2026-02-04.

Conditions:
Catecholaminergic polymorphic ventricular tachycardia 1. Also called: RYR2-Related Catecholaminergic Polymorphic Ventricular Tachycardia; VENTRICULAR TACHYCARDIA, STRESS-INDUCED POLYMORPHIC 1; VENTRICULAR TACHYCARDIA, CATECHOLAMINERGIC POLYMORPHIC, 1, WITH OR WITHOUT ATRIAL DYSFUNCTION AND/OR DILATED CARDIOMYOPATHY. Identifiers: Orphanet 3286, MedGen C1631597, MONDO:0011484, OMIM 604772.

Allele frequency attached by ClinVar (database versions not stated): 1000 Genomes Project 0.00619; 1000 Genomes Project 30x 0.00640; ExAC 0.01344; TOPMed 0.01636; ESP Exome Variant Server 0.01714; gnomAD exomes 0.01784 and 0.02651; gnomAD 0.01877 and 0.01994.
gnomAD v4.1: 37,556 of 1,475,274 alleles (2.5%); highest among the groups gnomAD compares: Non-Finnish European, 3.1%; 620 homozygotes.

Submissions (13):

Labcorp Genetics (formerly Invitae), Labcorp
Classification: Benign for Catecholaminergic polymorphic ventricular tachycardia 1. Last evaluated: 2026-02-04. Review status: criteria provided, single submitter. Criteria: Invitae Variant Classification Sherloc (09022015). Collection method: clinical testing. Allele origin: germline.

ARUP Laboratories, Molecular Genetics and Genomics, ARUP Laboratories
Classification: Benign. Last evaluated: 2025-06-05. Review status: criteria provided, single submitter. Criteria: ARUP Molecular Germline Variant Investigation Process 2024. Collection method: clinical testing. Allele origin: germline.

Blueprint Genetics
Classification: Benign. Last evaluated: 2024-11-26. Review status: criteria provided, single submitter. Criteria: ACMG Guidelines, 2015. Collection method: clinical testing. Allele origin: germline.

Women's Health and Genetics/Laboratory Corporation of America, LabCorp
Classification: Benign. Last evaluated: 2018-01-12. Review status: criteria provided, single submitter. Criteria: LabCorp Variant Classification Summary - May 2015. Collection method: clinical testing. Allele origin: germline.
Comment: Variant summary: The RYR2 c.11557+19C>T variant involves the alteration of a non-conserved intronic nucleotide. One in silico tool predicts a benign outcome for this variant. 5/5 splice prediction tools predict no significant impact on normal splicing. However, these predictions have yet to be confirmed by functional studies. This variant was found in 3274/177350 control chromosomes (53 homozygotes) at a frequency of 0.0184607, which is approximately 336 times the estimated maximal expected allele frequency of a pathogenic RYR2 variant (0.000055), suggesting this variant is likely a benign polymorphism. In addition, multiple clinical diagnostic laboratories/reputable databases classified this variant as benign. The variant of interest has not, to our knowledge, been reported in affected individuals via publications and/or reputable databases/clinical diagnostic laboratories; nor evaluated for functional impact by in vivo/vitro studies. Taken together, this variant is classified as benign.

GeneDx
Classification: Benign. Last evaluated: 2015-03-03. Review status: criteria provided, single submitter. Criteria: GeneDx Variant Classification Process June 2021. Collection method: clinical testing. Allele origin: germline. Affected: yes.

Eurofins Ntd Llc (ga)
Classification: Benign. Last evaluated: 2014-09-15. Review status: criteria provided, single submitter. Criteria: EGL Classification Definitions 2015. Collection method: clinical testing. Allele origin: germline. Observed: 1 variant allele, 1 heterozygote.

Breakthrough Genomics
Classification: Benign. Review status: criteria provided, single submitter. Criteria: ACMG Guidelines, 2015. Collection method: not provided. Allele origin: germline. Inheritance: Autosomal dominant inheritance. Affected: yes.

PreventionGenetics, part of Exact Sciences
Classification: Benign. Review status: criteria provided, single submitter. Criteria: ACMG Guidelines, 2015. Collection method: clinical testing. Allele origin: germline.

Clinical Genetics DNA and cytogenetics Diagnostics Lab, Erasmus MC, Erasmus Medical Center
Classification: Benign. Review status: no assertion criteria provided. Collection method: clinical testing. Allele origin: germline. Affected: yes. Study: VKGL Data-share Consensus. Not counted in ClinVar's aggregate classification.

Clinical Genetics, Academic Medical Center
Classification: Benign. Review status: no assertion criteria provided. Collection method: clinical testing. Allele origin: germline. Affected: yes. Study: VKGL Data-share Consensus. Not counted in ClinVar's aggregate classification.

Diagnostic Laboratory, Department of Genetics, University Medical Center Groningen
Classification: Likely benign. Review status: no assertion criteria provided. Collection method: clinical testing. Allele origin: germline. Affected: yes. Study: VKGL Data-share Consensus. Not counted in ClinVar's aggregate classification.

Genome Diagnostics Laboratory, University Medical Center Utrecht
Classification: Benign. Review status: no assertion criteria provided. Collection method: clinical testing. Allele origin: germline. Affected: yes. Study: VKGL Data-share Consensus. Not counted in ClinVar's aggregate classification.

Joint Genome Diagnostic Labs from Nijmegen and Maastricht, Radboudumc and MUMC+
Classification: Benign. Review status: no assertion criteria provided. Collection method: clinical testing. Allele origin: germline. Affected: yes. Study: VKGL Data-share Consensus. Not counted in ClinVar's aggregate classification.

NM_001035.3(RYR2):c.11557+19C>T

Gene: RYR2 (ryanodine receptor 2; plus strand). Cytogenetic location: 1q43.
Variant type: single nucleotide variant.
Coding change: c.11557+19C>T on transcript NM_001035.3 (MANE Select); 19 bases into the intron after coding-DNA position 11557, C replaced by T.
Molecular consequence: intron variant.
Genome position (GRCh38, 1-based): chr1:237,770,906, C>T. VCF-style: chr1-237770906-C-T. GRCh37 (hg19) VCF-style: chr1-237934206-C-T.
Other names: c.11557+19C>T (LRG_402t1).
Identifiers: ClinVar variation 36731 (VCV000036731.41), dbSNP rs113408406, ClinGen allele CA007068.
Genomic context (GRCh38, chr1:237,770,906, plus strand): 5'-TCTTCCGATTCCTGCAACTACTCTGTGAGGGACACAACTCAGGTTTGTGAGTCCCCGGAA[C>T]TTCTGATGATACTAAGGCATAAATAATGTTTTCAAGCCAGTAATAACAAGAGCCTGTTAG-3'